The following is an entry in ClinVar:

NM_000059.4(BRCA2):c.474A>C (p.Ser158=)

Gene: BRCA2 (BRCA2 DNA repair associated; plus strand). Cytogenetic location: 13q13.1.
Variant type: single nucleotide variant.
Coding change: c.474A>C on transcript NM_000059.4 (MANE Select); coding-DNA position 474, A replaced by C.
Protein change: p.Ser158=; no amino-acid change (serine 158 retained).
Molecular consequence: synonymous variant. On other transcripts: non-coding transcript variant (1).
Genome position (GRCh38, 1-based): chr13:32,326,149, A>C. VCF-style: chr13-32326149-A-C. GRCh37 (hg19) VCF-style: chr13-32900286-A-C.
Other names: c.474A>C, p.Ser158= (NM_001406719.1, NM_001406720.1, NM_001406721.1 and 1 more transcripts); c.105A>C, p.Ser35= (NM_001406722.1).
Identifiers: ClinVar variation 4824532 (VCV004824532.2).

ClinVar aggregate classification (germline): Likely pathogenic (1 of 4 stars; one submission).

Conditions:
Hereditary cancer-predisposing syndrome. Also called: Hereditary neoplastic syndrome; Neoplastic Syndromes, Hereditary; Tumor predisposition; Hereditary Cancer Syndrome. Identifiers: Orphanet 140162, MedGen C0027672, MeSH D009386, MONDO:0015356.

Submission:

Ambry Genetics
Classification: Likely pathogenic for Hereditary cancer-predisposing syndrome. Last evaluated: 2026-05-04. Review status: criteria provided, single submitter. Criteria: Ambry Variant Classification Scheme 2023. Collection method: clinical testing. Allele origin: germline.
Comment: The c.474A>C variant (also known as p.S158S), located in coding exon 4 of the BRCA2 gene, results from an A to C substitution at nucleotide position 474. This nucleotide substitution does not change the serine at codon 158. In silico splice site analysis predicts that this alteration may weaken the native splice donor site. RNA studies have demonstrated that this variant results in abnormal splicing in the set of samples tested (Ambry internal data). This variant is considered to be rare based on population cohorts in the Genome Aggregation Database (gnomAD). Based on the majority of available evidence to date, this variant is likely to be pathogenic.